The following is an entry in ClinVar:

ClinVar aggregate classification (germline): Likely pathogenic (1 of 4 stars; one submission).

Conditions:
Intellectual disability-microcephaly-strabismus-behavioral abnormalities syndrome. Also called: White-Sutton Syndrome. Identifiers: Orphanet 468678, MedGen C4225351, MONDO:0014606, OMIM 616364.

Submission:

Broad Center for Mendelian Genomics, Broad Institute of MIT and Harvard
Classification: Likely pathogenic for Intellectual disability-microcephaly-strabismus-behavioral abnormalities syndrome. Last evaluated: 2023-01-25. Review status: criteria provided, single submitter. Criteria: ACMG Guidelines, 2015. Collection method: curation. Allele origin: germline. Inheritance: Autosomal dominant inheritance.
Comment: Trio exome analysis revealed this variant to be de novo. The p.Phe836LeufsTer18 variant in POGZ has not been previously reported in individuals with White-Sutton syndrome. This variant was absent from large population studies. This variant is predicted to cause a frameshift, which alters the protein‚Äôs amino acid sequence beginning at position 836 and leads to a premature termination codon 18 amino acids downstream. This alteration is then predicted to lead to a truncated or absent protein. Heterozygous loss of function of the POGZ gene is strongly associated to White-Sutton syndrome. In summary, although additional studies are required to fully establish its clinical significance, this variant is likely pathogenic for autosomal dominant White-Sutton syndrome. ACMG/AMP Criteria applied: PVS1_Strong, PS2_Moderate, PM2_Supporting (Richards 2015).

NM_015100.4(POGZ):c.2508del (p.Phe836fs)

Gene: POGZ (pogo transposable element derived with ZNF domain; minus strand). Cytogenetic location: 1q21.3.
Variant type: Deletion.
Coding change: c.2508del on transcript NM_015100.4 (MANE Select); coding-DNA position 2508, one base deleted (C; older notation c.2508delC).
Protein change: p.Phe836fs; shifts the reading frame from phenylalanine 836.
Molecular consequence: frameshift variant.
Genome position (GRCh38, 1-based): chr1:151,406,948, G deleted on the plus strand (C on the coding strand, the reverse complement: POGZ is on the minus strand). VCF-style (leftmost placement, unchanged base first): chr1-151406947-TG-T. GRCh37 (hg19) VCF-style: chr1-151379423-TG-T.
Other names: NM_145796.4:c.2223del; c.2481del, p.Phe827fs (NM_001194937.2); c.2322del, p.Phe774fs (NM_001194938.2); c.2529delC, p.Phe843Leufs (NM_001410860.1); c.2223del, p.Phe741fs (NM_145796.4); c.2349del, p.Phe783fs (NM_207171.2); short protein forms F783fs, F836fs, F741fs, F774fs, F827fs.
Identifiers: ClinVar variation 2412692 (VCV002412692.1), dbSNP rs2529222907, ClinGen allele CA2573332348.